The following is an entry in ClinVar:

NM_001291867.2(NHS):c.1997A>G (p.Glu666Gly)

Gene: NHS (NHS actin remodeling regulator; plus strand). Cytogenetic location: Xp22.13.
Variant type: single nucleotide variant.
Coding change: c.1997A>G on transcript NM_001291867.2 (MANE Select); coding-DNA position 1997, A replaced by G.
Protein change: p.Glu666Gly; replaces glutamic acid 666 with glycine.
Molecular consequence: missense variant.
Genome position (GRCh38, 1-based): chrX:17,726,103, A>G. VCF-style: chrX-17726103-A-G. GRCh37 (hg19) VCF-style: chrX-17744223-A-G.
Other names: c.1466A>G, p.Glu489Gly (NM_001136024.4); c.1403A>G, p.Glu468Gly (NM_001291868.2); c.1934A>G, p.Glu645Gly (NM_198270.4); short protein forms E468G, E645G, E666G, E489G.
Identifiers: ClinVar variation 2004900 (VCV002004900.4), dbSNP rs771011700, ClinGen allele CA10358680.

ClinVar aggregate classification (germline): Uncertain significance (1 of 4 stars; one submission).

Conditions:
Nance-Horan syndrome (NHS). Identifiers: Orphanet 627, MedGen C0796085, MONDO:0010545, OMIM 302350.

Allele frequency attached by ClinVar (database versions not stated): gnomAD exomes below 0.00001; TOPMed below 0.00001; ExAC 0.00001.
gnomAD v4.1: 1 of 1,211,863 alleles (0.000083%); highest among the groups gnomAD compares: Admixed American, 0.0022%; no homozygotes.

Submission:

Labcorp Genetics (formerly Invitae), Labcorp
Classification: Uncertain significance for Nance-Horan syndrome. Last evaluated: 2022-06-18. Review status: criteria provided, single submitter. Criteria: Invitae Variant Classification Sherloc (09022015). Collection method: clinical testing. Allele origin: germline.
Comment: This variant has not been reported in the literature in individuals affected with NHS-related conditions. Algorithms developed to predict the effect of missense changes on protein structure and function (SIFT, PolyPhen-2, Align-GVGD) all suggest that this variant is likely to be disruptive. In summary, the available evidence is currently insufficient to determine the role of this variant in disease. Therefore, it has been classified as a Variant of Uncertain Significance. This variant is present in population databases (rs771011700, gnomAD 0.004%), including at least one homozygous and/or hemizygous individual. This sequence change replaces glutamic acid, which is acidic and polar, with glycine, which is neutral and non-polar, at codon 645 of the NHS protein (p.Glu645Gly).